The following is an entry in ClinVar:

ClinVar aggregate classification (germline): Benign. Review status: criteria provided, multiple submitters, no conflicts (2 of 4 stars). 3 submissions from 3 submitters: Benign (3). Last evaluated 2026-01-28.

Allele frequency attached by ClinVar (database versions not stated): ESP Exome Variant Server 0.33977; 1000 Genomes Project 30x 0.28638; 1000 Genomes Project 0.29034; gnomAD 0.33471 and 0.33805; ExAC 0.37811; gnomAD exomes 0.37894 and 0.41472; TOPMed 0.31347.
gnomAD v4.1: 657,138 of 1,612,732 alleles (41%); highest among the groups gnomAD compares: Middle Eastern, 50%; 139,602 homozygotes.

Submissions (3):

Labcorp Genetics (formerly Invitae), Labcorp
Classification: Benign. Last evaluated: 2026-01-28. Review status: criteria provided, single submitter. Criteria: Invitae Variant Classification Sherloc (09022015). Collection method: clinical testing. Allele origin: germline.

GeneDx
Classification: Benign. Last evaluated: 2018-03-24. Review status: criteria provided, single submitter. Criteria: GeneDx Variant Classification (06012015). Collection method: clinical testing. Allele origin: germline. Affected: yes.
Comment: This variant is considered likely benign or benign based on one or more of the following criteria: it is a conservative change, it occurs at a poorly conserved position in the protein, it is predicted to be benign by multiple in silico algorithms, and/or has population frequency not consistent with disease.

Breakthrough Genomics
Classification: Benign. Review status: criteria provided, single submitter. Criteria: ACMG Guidelines, 2015. Collection method: not provided. Allele origin: germline. Inheritance: Autosomal recessive inheritance. Affected: yes.

NM_015073.3(SIPA1L3):c.3762C>T (p.Ser1254=)

Gene: SIPA1L3 (signal induced proliferation associated 1 like 3; plus strand). Cytogenetic location: 19q13.13.
Variant type: single nucleotide variant.
Coding change: c.3762C>T on transcript NM_015073.3 (MANE Select); coding-DNA position 3762, C replaced by T.
Protein change: p.Ser1254=; no amino-acid change (serine 1254 retained).
Molecular consequence: synonymous variant.
Genome position (GRCh38, 1-based): chr19:38,162,353, C>T. VCF-style: chr19-38162353-C-T. GRCh37 (hg19) VCF-style: chr19-38652993-C-T.
Identifiers: ClinVar variation 677211 (VCV000677211.10), dbSNP rs332864, ClinGen allele CA9410111.